The following is an entry in ClinVar:

NM_004525.3(LRP2):c.11266C>G (p.Pro3756Ala)

Gene: LRP2 (LDL receptor related protein 2; minus strand). Cytogenetic location: 2q31.1.
Variant type: single nucleotide variant.
Coding change: c.11266C>G on transcript NM_004525.3 (MANE Select); coding-DNA position 11266, C replaced by G.
Protein change: p.Pro3756Ala; replaces proline 3756 with alanine.
Molecular consequence: missense variant.
Genome position (GRCh38, 1-based): chr2:169,170,665, G>C on the plus strand (C>G on the coding strand, the complement: LRP2 is on the minus strand). VCF-style: chr2-169170665-G-C. GRCh37 (hg19) VCF-style: chr2-170027175-G-C.
Other names: short protein forms P3756A.
Identifiers: ClinVar variation 1361160 (VCV001361160.8), dbSNP rs1686963573, ClinGen allele CA349142460.

ClinVar aggregate classification (germline): Uncertain significance (1 of 4 stars; one submission).

gnomAD v4.1: 1 of 1,611,264 alleles (0.000062%); highest among the groups gnomAD compares: Non-Finnish European, 0.000085%; no homozygotes.

Submission:

Labcorp Genetics (formerly Invitae), Labcorp
Classification: Uncertain significance. Last evaluated: 2024-10-29. Review status: criteria provided, single submitter. Criteria: Invitae Variant Classification Sherloc (09022015). Collection method: clinical testing. Allele origin: germline.
Comment: This sequence change replaces proline, which is neutral and non-polar, with alanine, which is neutral and non-polar, at codon 3756 of the LRP2 protein (p.Pro3756Ala). This variant is not present in population databases (gnomAD no frequency). This variant has not been reported in the literature in individuals affected with LRP2-related conditions. ClinVar contains an entry for this variant (Variation ID: 1361160). An algorithm developed to predict the effect of missense changes on protein structure and function (PolyPhen-2) suggests that this variant is likely to be disruptive. In summary, the available evidence is currently insufficient to determine the role of this variant in disease. Therefore, it has been classified as a Variant of Uncertain Significance.